The following is an entry in ClinVar:

NM_000321.3(RB1):c.2417T>G (p.Ile806Ser)

Gene: RB1 (RB transcriptional corepressor 1; plus strand). Cytogenetic location: 13q14.2.
Variant type: single nucleotide variant.
Coding change: c.2417T>G on transcript NM_000321.3 (MANE Select); coding-DNA position 2417, T replaced by G.
Protein change: p.Ile806Ser; replaces isoleucine 806 with serine.
Molecular consequence: missense variant.
Genome position (GRCh38, 1-based): chr13:48,465,296, T>G. VCF-style: chr13-48465296-T-G. GRCh37 (hg19) VCF-style: chr13-49039432-T-G.
Other names: c.2417T>G, p.Ile806Ser (NM_001407165.1); short protein forms I806S.
Identifiers: ClinVar variation 1790959 (VCV001790959.2), dbSNP rs2542375960, ClinGen allele CA388167939.

ClinVar aggregate classification (germline): Uncertain significance (1 of 4 stars; one submission).

Conditions:
Hereditary cancer-predisposing syndrome. Also called: Hereditary Cancer Syndrome; Hereditary neoplastic syndrome; Tumor predisposition; Neoplastic Syndromes, Hereditary. Identifiers: Orphanet 140162, MedGen C0027672, MeSH D009386, MONDO:0015356.

Submission:

Ambry Genetics
Classification: Uncertain significance for Hereditary cancer-predisposing syndrome. Last evaluated: 2019-08-29. Review status: criteria provided, single submitter. Criteria: Ambry Variant Classification Scheme 2023. Collection method: clinical testing. Allele origin: germline.
Comment: The p.I806S variant (also known as c.2417T>G), located in coding exon 23 of the RB1 gene, results from a T to G substitution at nucleotide position 2417. The isoleucine at codon 806 is replaced by serine, an amino acid with dissimilar properties. This amino acid position is well conserved in available vertebrate species. In addition, this alteration is predicted to be deleterious by in silico analysis. Since supporting evidence is limited at this time, the clinical significance of this alteration remains unclear.